The following is an entry in ClinVar:

NM_002470.4(MYH3):c.800-1G>A

Gene: MYH3 (myosin heavy chain 3; minus strand). Cytogenetic location: 17p13.1.
Variant type: single nucleotide variant.
Coding change: c.800-1G>A on transcript NM_002470.4 (MANE Select); the canonical splice acceptor site of the intron before coding-DNA position 800, G replaced by A.
Molecular consequence: splice acceptor variant.
Genome position (GRCh38, 1-based): chr17:10,647,281, C>T on the plus strand (G>A on the coding strand, the complement: MYH3 is on the minus strand). VCF-style: chr17-10647281-C-T. GRCh37 (hg19) VCF-style: chr17-10550598-C-T.
Identifiers: ClinVar variation 4891410 (VCV004891410.1).

ClinVar aggregate classification (germline): Likely pathogenic (1 of 4 stars; one submission).

gnomAD v4.1: 3 of 1,614,078 alleles (0.00019%); highest among the groups gnomAD compares: Non-Finnish European, 0.00025%; no homozygotes.

Submission:

GeneDx
Classification: Likely pathogenic. Last evaluated: 2026-03-06. Review status: criteria provided, single submitter. Criteria: GeneDx Variant Classification Process June 2021. Collection method: clinical testing. Allele origin: germline.
Comment: Identified in the heterozygous state in a patient with scoliosis, vertebrae fusions, lower limb spasticity, paraplegia, and a diagnosis of Klippel-Feil disease in published literature (PMID: 39590565); Canonical splice site variant expected to result in aberrant splicing, although in the absence of functional evidence the actual effect of this sequence change is unknown; Not observed at significant frequency in large population cohorts (gnomAD); This variant is associated with the following publications: (PMID: 35371100, 39590565)